The following is an entry in ClinVar:

ClinVar aggregate classification (germline): Uncertain significance (1 of 4 stars; one submission).

Submission:

Labcorp Genetics (formerly Invitae), Labcorp
Classification: Uncertain significance. Last evaluated: 2023-12-06. Review status: criteria provided, single submitter. Criteria: Invitae Variant Classification Sherloc (09022015). Collection method: clinical testing. Allele origin: germline.
Comment: This sequence change creates a premature translational stop signal (p.Asp24Ilefs*15) in the RNF31 gene. It is expected to result in an absent or disrupted protein product. However, the current clinical and genetic evidence is not sufficient to establish whether loss-of-function variants in RNF31 cause disease. This variant is not present in population databases (gnomAD no frequency). This variant has not been reported in the literature in individuals affected with RNF31-related conditions. In summary, the available evidence is currently insufficient to determine the role of this variant in disease. Therefore, it has been classified as a Variant of Uncertain Significance.

NM_017999.5(RNF31):c.70del (p.Asp24fs)

Gene: RNF31 (ring finger protein 31; plus strand). Cytogenetic location: 14q12.
Variant type: Deletion.
Coding change: c.70del on transcript NM_017999.5 (MANE Select); coding-DNA position 70, one base deleted (G; older notation c.70delG).
Protein change: p.Asp24fs; shifts the reading frame from aspartic acid 24.
Molecular consequence: frameshift variant. On other transcripts: intron variant (1).
Genome position (GRCh38, 1-based): chr14:24,147,768, G deleted; the last of 3 consecutive G bases (chr14:24,147,766-24,147,768); deleting any one gives the same sequence. VCF-style (leftmost placement, unchanged base first): chr14-24147765-AG-A. GRCh37 (hg19) VCF-style: chr14-24616974-AG-A.
Other names: c.-325-208del (NM_001310332.2); short protein forms D24fs.
Identifiers: ClinVar variation 2855714 (VCV002855714.3), dbSNP rs2038191896, ClinGen allele CA961126914.
Genomic context (GRCh38, chr14:24,147,765, plus strand): 5'-GGGGAGGAAGAGGAGCGGGCCTTCCTGGTGGCCCGCGAGGAGCTGGCGAGCGCCCTGAGG[AG>A]GGATTCCGGGCAGGCGTTTTCCCTGGAGCAGCTCCGGCCGCTACTAGCCAGCTCTCTGCC-3'